The following is an entry in ClinVar:

NM_004006.3(DMD):c.6154del (p.Ile2052fs)

Gene: DMD (dystrophin; minus strand). Cytogenetic location: Xp21.1.
Variant type: Deletion.
Coding change: c.6154del on transcript NM_004006.3 (MANE Select); coding-DNA position 6154, one base deleted (A; older notation c.6154delA).
Protein change: p.Ile2052fs; shifts the reading frame from isoleucine 2052.
Molecular consequence: frameshift variant.
Genome position (GRCh38, 1-based): chrX:32,287,665, T deleted on the plus strand (A on the coding strand, the reverse complement: DMD is on the minus strand). VCF-style (leftmost placement, unchanged base first): chrX-32287664-AT-A. GRCh37 (hg19) VCF-style: chrX-32305781-AT-A.
Other names: c.6130del, p.Ile2044fs (NM_000109.4); c.6142del, p.Ile2048fs (NM_004009.3); c.5785del, p.Ile1929fs (NM_004010.3); c.2131del, p.Ile711fs (NM_004011.4); c.2122del, p.Ile708fs (NM_004012.4); short protein forms I708fs, I2044fs, I2052fs, I1929fs, I2048fs, I711fs.
Identifiers: ClinVar variation 2025886 (VCV002025886.4), dbSNP rs2519922156, ClinGen allele CA2580100634.

ClinVar aggregate classification (germline): Pathogenic (1 of 4 stars; one submission).

Conditions:
Duchenne muscular dystrophy (DMD). Also called: MUSCULAR DYSTROPHY, PSEUDOHYPERTROPHIC PROGRESSIVE, DUCHENNE TYPE; Duchenne Muscular Dystrophy (DMD). Identifiers: Orphanet 98896, MedGen C0013264, MONDO:0010679, OMIM 310200.

Submission:

Labcorp Genetics (formerly Invitae), Labcorp
Classification: Pathogenic for Duchenne muscular dystrophy. Last evaluated: 2022-08-21. Review status: criteria provided, single submitter. Criteria: Invitae Variant Classification Sherloc (09022015). Collection method: clinical testing. Allele origin: germline.
Comment: This sequence change creates a premature translational stop signal (p.Ile2052Leufs*21) in the DMD gene. It is expected to result in an absent or disrupted protein product. Loss-of-function variants in DMD are known to be pathogenic (PMID: 16770791, 25007885). For these reasons, this variant has been classified as Pathogenic. This variant has not been reported in the literature in individuals affected with DMD-related conditions. This variant is not present in population databases (gnomAD no frequency).

Literature cited by the submitters: PubMed 16770791; PubMed 25007885.